The following is an entry in ClinVar:

NM_033004.4(NLRP1):c.2037TGA[3] (p.Asp680_Glu681insAsp)

Gene: NLRP1 (NLR family pyrin domain containing 1; minus strand). Cytogenetic location: 17p13.2.
Variant type: Microsatellite.
Coding change: c.2037TGA[3] on transcript NM_033004.4 (MANE Select); three copies in a row of the 3-base unit TGA starting at c.2037; the reference has two copies in a row; one copy, 3 bases duplicated.
Protein change: p.Asp680_Glu681insAsp.
Molecular consequence: inframe insertion.
Genome position (GRCh38, 1-based): chr17:5,558,654-5,558,656, TCA duplicated on the plus strand (TGA on the coding strand, the reverse complement: NLRP1 is on the minus strand); duplicating any 3 consecutive bases within chr17:5,558,654-5,558,659 gives the same sequence; the position shown is the placement nearest the transcript's 3' end. VCF-style (leftmost placement, unchanged base first): chr17-5558653-C-CTCA. GRCh37 (hg19) VCF-style: chr17-5461973-C-CTCA.
Other names: c.2037TGA[3], p.Asp680_Glu681insAsp (NM_001033053.3, NM_014922.5, NM_033006.4 and 1 more transcripts).
Identifiers: ClinVar variation 1900768 (VCV001900768.5), dbSNP rs2507936328, ClinGen allele CA497686024.
Genomic context (GRCh38, chr17:5,558,653, plus strand): 5'-CATCAGGTTCCTCCCCTGAGACAGCCGGCAGTGAAAGATGTTCTCCATCTCTCTCTCCCC[C>CTCA]TCATCACTTAACAGGCCCAATAGGAAACGTGTGGTTGATGCCCCAAACAGGCCATGTATT-3'

ClinVar aggregate classification (germline): Uncertain significance (1 of 4 stars; one submission).

Submission:

Labcorp Genetics (formerly Invitae), Labcorp
Classification: Uncertain significance. Last evaluated: 2024-09-06. Review status: criteria provided, single submitter. Criteria: Invitae Variant Classification Sherloc (09022015). Collection method: clinical testing. Allele origin: germline.
Comment: This variant, c.2040_2042dup, results in the insertion of 1 amino acid(s) of the NLRP1 protein (p.Asp680dup), but otherwise preserves the integrity of the reading frame. This variant is not present in population databases (gnomAD no frequency). This variant has not been reported in the literature in individuals affected with NLRP1-related conditions. Experimental studies and prediction algorithms are not available or were not evaluated, and the functional significance of this variant is currently unknown. In summary, the available evidence is currently insufficient to determine the role of this variant in disease. Therefore, it has been classified as a Variant of Uncertain Significance.